The following is an entry in ClinVar:

ClinVar aggregate classification (germline): Benign. Review status: criteria provided, multiple submitters, no conflicts (2 of 4 stars). 2 submissions from 2 submitters: Benign (2). Last evaluated 2018-06-14.

Conditions:
Wolfram syndrome 1 (WFS1). Identifiers: Orphanet 3463, MedGen C4551693, MONDO:0009101, OMIM 222300.

Allele frequency attached by ClinVar (database versions not stated): gnomAD 0.15920 and 0.16041; TOPMed 0.16278; 1000 Genomes Project 0.16334; 1000 Genomes Project 30x 0.16334.
gnomAD v4.1: 24,200 of 152,184 alleles (16%); highest among the groups gnomAD compares: African/African-American, 25%; 2,341 homozygotes.

Submissions (2):

GeneDx
Classification: Benign. Last evaluated: 2018-06-14. Review status: criteria provided, single submitter. Criteria: GeneDx Variant Classification (06012015). Collection method: clinical testing. Allele origin: germline. Affected: yes.
Comment: This variant is considered likely benign or benign based on one or more of the following criteria: it is a conservative change, it occurs at a poorly conserved position in the protein, it is predicted to be benign by multiple in silico algorithms, and/or has population frequency not consistent with disease.

Clinical Genomics, Uppaluri K&H Personalized Medicine Clinic
Classification: Benign for Wolfram syndrome 1. Review status: criteria provided, single submitter. Criteria: K & H Uppaluri Personalized Medicine Clinic Variant Classification & Assertion Criteria_Updated V.1. Collection method: research. Allele origin: unknown. Inheritance: Autosomal recessive inheritance.
Comment: Potent mutations in WFS1 gene are associated with Wolfram's syndrome, an autosomal recessive condition, which cause diabetes mellitus, diabetes insipidus, deafness and optic atrophy. However no sufficient evidence is found to ascertain the role of this particular variant rs73071607 in Wolfram's syndrome yet.

Literature cited by the submitters: PubMed 20738327 (cited by Clinical Genomics, Uppaluri K&H Personalized Medicine Clinic); PubMed 33879153 (cited by Clinical Genomics, Uppaluri K&H Personalized Medicine Clinic); PubMed 12955714 (cited by Clinical Genomics, Uppaluri K&H Personalized Medicine Clinic); PubMed 18060660 (cited by Clinical Genomics, Uppaluri K&H Personalized Medicine Clinic); PubMed 20301750 (cited by Clinical Genomics, Uppaluri K&H Personalized Medicine Clinic); PubMed 17603484 (cited by Clinical Genomics, Uppaluri K&H Personalized Medicine Clinic).

NM_006005.3(WFS1):c.713-915C>T

Gene: WFS1 (wolframin ER transmembrane glycoprotein; plus strand). Cytogenetic location: 4p16.1.
Variant type: single nucleotide variant.
Coding change: c.713-915C>T on transcript NM_006005.3 (MANE Select); 915 bases into the intron before coding-DNA position 713, C replaced by T.
Molecular consequence: intron variant.
Genome position (GRCh38, 1-based): chr4:6,294,126, C>T. VCF-style: chr4-6294126-C-T. GRCh37 (hg19) VCF-style: chr4-6295853-C-T.
Other names: c.713-915C>T (NM_001145853.1).
Identifiers: ClinVar variation 684350 (VCV000684350.2), dbSNP rs73071607, ClinGen allele CA11677697.